The following is an entry in ClinVar:

ClinVar aggregate classification (germline): Uncertain significance (1 of 4 stars; one submission).

gnomAD v4.1: 1 of 1,614,084 alleles (0.000062%); highest among the groups gnomAD compares: Admixed American, 0.0017%; no homozygotes.

Submission:

Labcorp Genetics (formerly Invitae), Labcorp
Classification: Uncertain significance. Last evaluated: 2023-10-06. Review status: criteria provided, single submitter. Criteria: Invitae Variant Classification Sherloc (09022015). Collection method: clinical testing. Allele origin: germline.
Comment: This sequence change replaces alanine, which is neutral and non-polar, with threonine, which is neutral and polar, at codon 322 of the NSUN3 protein (p.Ala322Thr). This variant is not present in population databases (gnomAD no frequency). This variant has not been reported in the literature in individuals affected with NSUN3-related conditions. An algorithm developed to predict the effect of missense changes on protein structure and function (PolyPhen-2) suggests that this variant is likely to be tolerated. In summary, the available evidence is currently insufficient to determine the role of this variant in disease. Therefore, it has been classified as a Variant of Uncertain Significance.

NM_022072.5(NSUN3):c.964G>A (p.Ala322Thr)

Gene: NSUN3 (NOP2/Sun RNA methyltransferase 3; plus strand). Cytogenetic location: 3q11.2.
Variant type: single nucleotide variant.
Coding change: c.964G>A on transcript NM_022072.5 (MANE Select); coding-DNA position 964, G replaced by A.
Protein change: p.Ala322Thr; replaces alanine 322 with threonine.
Molecular consequence: missense variant.
Genome position (GRCh38, 1-based): chr3:94,126,431, G>A. VCF-style: chr3-94126431-G-A. GRCh37 (hg19) VCF-style: chr3-93845275-G-A.
Other names: short protein forms A322T.
Identifiers: ClinVar variation 3002429 (VCV003002429.3), dbSNP rs761668973, ClinGen allele CA353706073.